The following is an entry in ClinVar:

ClinVar aggregate classification (germline): Uncertain significance (1 of 4 stars; one submission).

Conditions:
Charcot-Marie-Tooth disease type 4. Also called: Charcot-Marie-Tooth, Type 4; Charcot-Marie-Tooth disease, type IV. Identifiers: Orphanet 64749, MedGen C4082197, MONDO:0018995.

Allele frequency attached by ClinVar (database versions not stated): gnomAD exomes below 0.00001; gnomAD 0.00001; TOPMed 0.00001.
gnomAD v4.1: 4 of 1,613,772 alleles (0.00025%); highest among the groups gnomAD compares: African/African-American, 0.0027%; no homozygotes.

Submission:

Labcorp Genetics (formerly Invitae), Labcorp
Classification: Uncertain significance for Charcot-Marie-Tooth disease type 4. Last evaluated: 2023-12-04. Review status: criteria provided, single submitter. Criteria: Invitae Variant Classification Sherloc (09022015). Collection method: clinical testing. Allele origin: germline.
Comment: This sequence change replaces serine, which is neutral and polar, with proline, which is neutral and non-polar, at codon 123 of the SH3TC2 protein (p.Ser123Pro). The frequency data for this variant in the population databases is considered unreliable, as metrics indicate poor data quality at this position in the gnomAD database. This variant has not been reported in the literature in individuals affected with SH3TC2-related conditions. Advanced modeling of protein sequence and biophysical properties (such as structural, functional, and spatial information, amino acid conservation, physicochemical variation, residue mobility, and thermodynamic stability) has been performed at Invitae for this missense variant, however the output from this modeling did not meet the statistical confidence thresholds required to predict the impact of this variant on SH3TC2 protein function. In summary, the available evidence is currently insufficient to determine the role of this variant in disease. Therefore, it has been classified as a Variant of Uncertain Significance.

NM_024577.4(SH3TC2):c.367T>C (p.Ser123Pro)

Gene: SH3TC2 (SH3 domain and tetratricopeptide repeats 2; minus strand). Cytogenetic location: 5q32.
Variant type: single nucleotide variant.
Coding change: c.367T>C on transcript NM_024577.4 (MANE Select); coding-DNA position 367, T replaced by C.
Protein change: p.Ser123Pro; replaces serine 123 with proline.
Molecular consequence: missense variant.
Genome position (GRCh38, 1-based): chr5:149,044,551, A>G on the plus strand (T>C on the coding strand, the complement: SH3TC2 is on the minus strand). VCF-style: chr5-149044551-A-G. GRCh37 (hg19) VCF-style: chr5-148424114-A-G.
Other names: short protein forms S123P.
Identifiers: ClinVar variation 2790813 (VCV002790813.3), dbSNP rs1347241469, ClinGen allele CA361676574.